The following is an entry in ClinVar:

NM_001387994.1(BAG6):c.1743G>A (p.Gln581=)

Gene: BAG6 (BAG cochaperone 6; minus strand). Cytogenetic location: 6p21.33.
Variant type: single nucleotide variant.
Coding change: c.1743G>A on transcript NM_001387994.1 (MANE Select); coding-DNA position 1743, G replaced by A.
Protein change: p.Gln581=; no amino-acid change (glutamine 581 retained).
Molecular consequence: synonymous variant.
Genome position (GRCh38, 1-based): chr6:31,643,903, C>T on the plus strand (G>A on the coding strand, the complement: BAG6 is on the minus strand). VCF-style: chr6-31643903-C-T. GRCh37 (hg19) VCF-style: chr6-31611680-C-T.
Other names: c.1581G>A, p.Gln527= (NM_001387982.1, NM_001387997.1, NM_001388004.1 and 2 more transcripts); c.1740G>A, p.Gln580= (NM_001387983.1, NM_001387988.1, NM_001387993.1 and 5 more transcripts); c.1743G>A, p.Gln581= (NM_001387984.1, NM_001387989.1, NM_001387996.1 and 7 more transcripts); c.1770G>A, p.Gln590= (NM_001387985.1, NM_001388012.1); c.1635G>A, p.Gln545= (NM_001387986.1, NM_001387999.1, NM_001388001.1 and 12 more transcripts); c.1632G>A, p.Gln544= (NM_001387987.1, NM_001387990.1, NM_001387998.1 and 5 more transcripts); c.1689G>A, p.Gln563= (NM_001387991.1, NM_001387992.1, NM_001387958.1); c.1554G>A, p.Gln518= (NM_001388002.1); and 4 more.
Identifiers: ClinVar variation 2656411 (VCV002656411.24), dbSNP rs146784903, ClinGen allele CA3717381.

ClinVar aggregate classification (germline): Likely benign (1 of 4 stars; one submission).

Allele frequency attached by ClinVar (database versions not stated): 1000 Genomes Project 0.00060; 1000 Genomes Project 30x 0.00078; TOPMed 0.00113; ExAC 0.00116; gnomAD 0.00123; ESP Exome Variant Server 0.00130; gnomAD exomes 0.00169.
gnomAD v4.1: 2,652 of 1,613,224 alleles (0.16%); highest among the groups gnomAD compares: Non-Finnish European, 0.2%; 4 homozygotes.

Submission:

CeGaT Center for Human Genetics Tuebingen
Classification: Likely benign. Last evaluated: 2023-02-01. Review status: criteria provided, single submitter. Criteria: CeGaT Center For Human Genetics Tuebingen Variant Classification Criteria Version 2. Collection method: clinical testing. Allele origin: germline. Affected: yes. Observed: 1 variant allele.
Comment: BAG6: BP4, BP7